The following continues an entry in ClinVar:

NM_003119.4(SPG7):c.1045G>A (p.Gly349Ser)

Gene: SPG7. ClinVar aggregate classification (germline): Pathogenic/Likely pathogenic. Pathogenic (32); Likely pathogenic (7).

Submissions 14 to 26 of 45:

Women's Health and Genetics/Laboratory Corporation of America, LabCorp
Classification: Pathogenic for Hereditary spastic paraplegia 7. Last evaluated: 2023-11-08. Review status: criteria provided, single submitter. Criteria: LabCorp Variant Classification Summary - May 2015. Collection method: clinical testing. Allele origin: germline.
Comment: Variant summary: SPG7 c.1045G>A (p.Gly349Ser) results in a non-conservative amino acid change located in the AAA+ ATPase domain (IPR003593) of the encoded protein sequence. Five of five in-silico tools predict a damaging effect of the variant on protein function. The variant allele was found at a frequency of 0.00083 in 250588 control chromosomes (gnomAD). c.1045G>A has been reported in the literature in multiple individuals affected with Hereditary Spastic Paraplegia 7 (example: Schlipf_2011, Bonn_2010, vanGassen_2012, Roxburgh_2013). These data indicate that the variant is very likely to be associated with disease. At least one publication reports experimental evidence that this variant disrupts normal protein function (Bonn_2010). The following publications have been ascertained in the context of this evaluation (PMID: 20186691, 23269439, 21623769, 22964162). Nineteen submitters have cited clinical-significance assessments for this variant to ClinVar after 2014 and all classified this variant pathogenic/likely pathogenic. Based on the evidence outlined above, the variant was classified as pathogenic.

ARUP Laboratories, Molecular Genetics and Genomics, ARUP Laboratories
Classification: Pathogenic for Hereditary spastic paraplegia 7. Last evaluated: 2023-10-09. Review status: criteria provided, single submitter. Criteria: ARUP Molecular Germline Variant Investigation Process 2024. Collection method: clinical testing. Allele origin: germline.
Comment: The SPG7 c.1045G>A; p.Gly349Ser variant (rs141659620) is reported in the literature in numerous compound heterozygous individuals affected with hereditary spastic paraplegia (Bonn 2010, Brugman 2008, Hewamadduma 2018, Mahoney 2020, Rizzo 2020). This variant is found in the non-Finnish European population with an allele frequency of 0.16% (201/128,548 alleles) in the Genome Aggregation Database. Computational analyses predict that this variant is deleterious (REVEL: 0.948). Consistent with these predictions, functional analysis of this variant in a heterologous yeast assay suggests it fails to complement yeast similar to wildtype SPG7 (Bonn 2010). Based on available information, this variant is considered to be pathogenic. References: Bonn F et al. Functional evaluation of paraplegin mutations by a yeast complementation assay. Hum Mutat. 2010 May;31(5):617-21. PMID: 20186691. Brugman F et al. Paraplegin mutations in sporadic adult-onset upper motor neuron syndromes. Neurology. 2008 Nov 4;71(19):1500-5. PMID: 18799786. Hewamadduma CA et al. Novel genotype-phenotype and MRI correlations in a large cohort of patients with SPG7 mutations. Neurol Genet. 2018 Oct 24;4(6):e279. PMID: 30533525. Mahoney CJ et al. A novel phenotype of hereditary spastic paraplegia type 7 associated with a compound heterozygous mutation in paraplegin. Muscle Nerve. 2020 Jul;62(1):E44-E45. PMID: 32270516. Rizzo G et al. ''Eye of tiger sign" mimic in patients with spastic paraplegia gene 7 (SPG7) mutations. Parkinsonism Relat Disord. 2020 Dec;81:158-160. PMID: 33157434.

Department of Pathology and Laboratory Medicine, Sinai Health System
Classification: Pathogenic for Hereditary spastic paraplegia 7. Last evaluated: 2023-09-21. Review status: criteria provided, single submitter. Criteria: ACMG Guidelines, 2015. Collection method: research. Allele origin: germline.

Victorian Clinical Genetics Services, Murdoch Childrens Research Institute
Classification: Pathogenic for Hereditary spastic paraplegia 7. Last evaluated: 2023-07-16. Review status: criteria provided, single submitter. Criteria: ACMG Guidelines, 2015. Collection method: clinical testing. Allele origin: germline. Inheritance: Autosomal recessive inheritance. Affected: yes.
Comment: Based on the classification scheme VCGS_Germline_v1.3.4, this variant is classified as Pathogenic. Following criteria are met: 0102 - Loss of function is a known mechanism of disease in this gene and is associated with spastic paraplegia 7 (MIM#607259) and optical atrophy (MONDO#0003608). (I) 0108 - This gene is associated with both recessive and dominant disease. This gene is associated with autosomal recessive spastic paraplegia 7 and autosomal dominant optical atrophy (PMIDs: 31854126, 32548275). (I) 0200 - Variant is predicted to result in a missense amino acid change from glycine to serine. (I) 0251 - This variant is heterozygous. (I) 0304 - Variant is present in gnomAD (v2) <0.01 (232 heterozygotes, 0 homozygotes). (SP) 0309 - Alternative amino acid changes at the same position have been observed in gnomAD (v2) (p.(Gly349Arg): 2 heterozygotes, 0 homozygotes). (I) 0501 - Missense variant consistently predicted to be damaging by multiple in silico tools or highly conserved with a major amino acid change. (SP) 0600 - Variant is located in a binding site within the AAA domain (DECIPHER). (I) 0801 - This variant has very strong previous evidence of pathogenicity in unrelated individuals. The variant has previously been classified as likely pathogenic or pathogenic by multiple diagnostic laboratories and has been reported in multiple individuals with spastic paraplegia 7 (ClinVar, PMIDs: 30533525, 35959404). (SP) 1002 - This variant has moderate functional evidence supporting abnormal protein function. Studies in mAAA protease-deficient yeast cells transfected with mutant human paraplegin, displayed impaired proteolytic enzyme activity (PMID: 20186691). (SP) 1201 - Heterozygous variant detected in trans with a second pathogenic heterozygous variant (NM_003119.3(SPG7):c.1529C>T; p.(Ala510Val)) in a recessive disease. (I) Legend: (SP) - Supporting pathogenic, (I) - Information, (SB) - Supporting benign

Institute of Human Genetics, Univ. Regensburg, Univ. Regensburg
Classification: Likely pathogenic for Retinal dystrophy. Last evaluated: 2023-01-01. Review status: criteria provided, single submitter. Criteria: ACMG Guidelines, 2015. Collection method: clinical testing. Allele origin: germline. Affected: yes.

MGZ Medical Genetics Center
Classification: Likely pathogenic for Hereditary spastic paraplegia 7. Last evaluated: 2022-06-21. Review status: criteria provided, single submitter. Criteria: ACMG Guidelines, 2015. Collection method: clinical testing. Allele origin: germline. Affected: yes. Observed: 2 variant alleles.
Comment: ACMG criteria applied: PS4_MOD, PM3, PS3_SUP, PP1, PP3

Clinical Genetics Laboratory, Skane University Hospital Lund
Classification: Pathogenic. Last evaluated: 2022-05-27. Review status: criteria provided, single submitter. Criteria: ACMG Guidelines, 2015. Collection method: clinical testing. Allele origin: germline. Affected: yes.

Dasa
Classification: Pathogenic for Hereditary spastic paraplegia 7. Last evaluated: 2022-01-05. Review status: criteria provided, single submitter. Criteria: ACMG Guidelines, 2015. Collection method: clinical testing. Allele origin: germline. Affected: yes. Observed: 3 variant alleles.
Comment: The c.1045G>A;p.(Gly349Ser) missense variant has been observed in affected individual(s) and ClinVar contains an entry for this variant (ClinVar ID: 6819; PMID: 27790088;27016405; 26626314; 25133958; 25034272; 23812641; 23733235) - PS4. Well-established in vitro or in vivo functional studies support a damaging effect on the gene or gene product (PMID: 20186691) - PS3_supporting. The variant is located in a mutational hot spot and/or critical and well-established functional domain (AAA domain) - PM1. The p.(Gly349Ser) was detected in trans with a pathogenic variant (PMID: 26626314; 25034272; 23733235; 20186691) - PM3_strong. The variant co-segregated with disease in multiple affected family members (PMID: 25133958 ; 20186691) - PP1_strong. Multiple lines of computational evidence support a deleterious effect on the gene or gene product - PP3. and allele frequency is greater than expected for disorder -BS1. In summary, the currently available evidence indicates that the variant is pathogenic.

PROSPAX: an integrated multimodal progression  chart in spastic ataxias, Center for Neurology; Hertie-Institute for Clinical Brain Research
Classification: Pathogenic for Hereditary spastic paraplegia 7. Last evaluated: 2022-01-01. Review status: criteria provided, single submitter. Criteria: ACMG Guidelines, 2015. Collection method: research. Allele origin: germline. Affected: yes. Observed: 16 variant alleles, 16 compound heterozygotes.

Revvity Omics, Revvity
Classification: Pathogenic for Hereditary spastic paraplegia 7. Last evaluated: 2021-12-29. Review status: criteria provided, single submitter. Criteria: ACMG Guidelines, 2015. Collection method: clinical testing. Allele origin: germline.

Institute of Human Genetics Munich, TUM University Hospital
Classification: Pathogenic for Hereditary spastic paraplegia 7. Last evaluated: 2021-11-09. Review status: criteria provided, single submitter. Criteria: Classification criteria August 2017. Collection method: clinical testing. Allele origin: germline. Inheritance: Autosomal recessive inheritance. Affected: yes. Observed: 1 variant allele.

Ambry Genetics
Classification: Pathogenic for Inborn genetic diseases. Last evaluated: 2021-05-27. Review status: criteria provided, single submitter. Criteria: Ambry Variant Classification Scheme 2023. Collection method: clinical testing. Allele origin: germline.
Comment: The c.1045G>A (p.G349S) alteration is located in exon 8 (coding exon 8) of the SPG7 gene. This alteration results from a G to A substitution at nucleotide position 1045, causing the glycine (G) at amino acid position 349 to be replaced by a serine (S). Based on data from the Genome Aggregation Database (gnomAD) database, the SPG7 c.1045G>A alteration was observed in 0.08% (232/281994) of total alleles studied, with a frequency of 0.16% (201/128548) in the European (non-Finnish) subpopulation. This alteration has been identified in the compound heterozygous state with various other SPG7 variants in multiple unrelated patients with spastic paraplegia and/or cerebellar ataxia (Bonn, 2010; Hewamadduma, 2018; Klebe, 2012; Kumar, 2013; Schlipf, 2011; van Gassen, 2012). This amino acid position is highly conserved in available vertebrate species. Functional studies in yeast showed that this alteration impairs enzyme activity (Bonn, 2010). The p.G349S alteration is predicted to be deleterious by in silico analysis. Based on the available evidence, this alteration is classified as pathogenic.

Institute of Medical Genetics and Applied Genomics, University Hospital Tübingen
Classification: Pathogenic. Last evaluated: 2020-10-23. Review status: criteria provided, single submitter. Criteria: ACMG Guidelines, 2015. Collection method: clinical testing. Allele origin: germline. Inheritance: Unknown mechanism. Affected: yes.